The following is an entry in ClinVar:

ClinVar aggregate classification (germline): Uncertain significance (1 of 4 stars; one submission).

Submission:

Labcorp Genetics (formerly Invitae), Labcorp
Classification: Uncertain significance. Last evaluated: 2024-02-08. Review status: criteria provided, single submitter. Criteria: Invitae Variant Classification Sherloc (09022015). Collection method: clinical testing. Allele origin: germline.
Comment: This sequence change falls in intron 4 of the ABL1 gene. It does not directly change the encoded amino acid sequence of the ABL1 protein. It affects a nucleotide within the consensus splice site. This variant is not present in population databases (gnomAD no frequency). This variant has not been reported in the literature in individuals affected with ABL1-related conditions. Variants that disrupt the consensus splice site are a relatively common cause of aberrant splicing (PMID: 17576681, 9536098). Algorithms developed to predict the effect of sequence changes on RNA splicing suggest that this variant is not likely to affect RNA splicing. In summary, the available evidence is currently insufficient to determine the role of this variant in disease. Therefore, it has been classified as a Variant of Uncertain Significance.

Literature cited by the submitters: PubMed 17576681; PubMed 9536098.

NM_005157.6(ABL1):c.822+4G>C

Gene: ABL1 (ABL proto-oncogene 1, non-receptor tyrosine kinase; plus strand). Cytogenetic location: 9q34.12.
Variant type: single nucleotide variant.
Coding change: c.822+4G>C on transcript NM_005157.6 (MANE Select); 4 bases into the intron after coding-DNA position 822, G replaced by C.
Molecular consequence: intron variant.
Genome position (GRCh38, 1-based): chr9:130,863,039, G>C. VCF-style: chr9-130863039-G-C. GRCh37 (hg19) VCF-style: chr9-133738426-G-C.
Other names: c.879+4G>C (NM_007313.3).
Identifiers: ClinVar variation 3687736 (VCV003687736.2).